The following is an entry in ClinVar:

NM_006231.4(POLE):c.6248T>C (p.Leu2083Pro)

Gene: POLE (DNA polymerase epsilon, catalytic subunit; minus strand). Cytogenetic location: 12q24.33.
Variant type: single nucleotide variant.
Coding change: c.6248T>C on transcript NM_006231.4 (MANE Select); coding-DNA position 6248, T replaced by C.
Protein change: p.Leu2083Pro; replaces leucine 2083 with proline.
Molecular consequence: missense variant.
Genome position (GRCh38, 1-based): chr12:132,632,397, A>G on the plus strand (T>C on the coding strand, the complement: POLE is on the minus strand). VCF-style: chr12-132632397-A-G. GRCh37 (hg19) VCF-style: chr12-133208983-A-G.
Other names: c.6248T>C (NM_006231.2); short protein forms L2083P.
Identifiers: ClinVar variation 848253 (VCV000848253.10), dbSNP rs2041951083, ClinGen allele CA387369545.

ClinVar aggregate classification (germline): Conflicting classifications of pathogenicity. Review status: criteria provided, conflicting classifications (1 of 4 stars). 2 submissions from 2 submitters: Uncertain significance (1); Likely benign (1). Last evaluated 2025-08-19.

Conditions:
Hereditary cancer-predisposing syndrome. Also called: Tumor predisposition; Neoplastic Syndromes, Hereditary; Hereditary neoplastic syndrome; Hereditary Cancer Syndrome. Identifiers: Orphanet 140162, MedGen C0027672, MeSH D009386, MONDO:0015356.

Submissions (2):

Ambry Genetics
Classification: Likely benign for Hereditary cancer-predisposing syndrome. Last evaluated: 2025-08-19. Review status: criteria provided, single submitter. Criteria: Ambry Variant Classification Scheme 2023. Collection method: clinical testing. Allele origin: germline.

Labcorp Genetics (formerly Invitae), Labcorp
Classification: Uncertain significance. Last evaluated: 2019-02-13. Review status: criteria provided, single submitter. Criteria: Invitae Variant Classification Sherloc (09022015). Collection method: clinical testing. Allele origin: germline.
Comment: This sequence change replaces leucine with proline at codon 2083 of the POLE protein (p.Leu2083Pro). The leucine residue is weakly conserved and there is a moderate physicochemical difference between leucine and proline. In summary, the available evidence is currently insufficient to determine the role of this variant in disease. Therefore, it has been classified as a Variant of Uncertain Significance. Algorithms developed to predict the effect of missense changes on protein structure and function output the following: SIFT: "Tolerated"; PolyPhen-2: "Benign"; Align-GVGD: "Class C0". The proline amino acid residue is found in multiple mammalian species, suggesting that this missense change does not adversely affect protein function. These predictions have not been confirmed by published functional studies and their clinical significance is uncertain. This variant has not been reported in the literature in individuals with POLE-related conditions. This variant is not present in population databases (ExAC no frequency).